The following is an entry in ClinVar:

NM_017429.3(BCO1):c.1415G>C (p.Gly472Ala)

Gene: BCO1 (beta-carotene oxygenase 1; plus strand). Cytogenetic location: 16q23.2.
Variant type: single nucleotide variant.
Coding change: c.1415G>C on transcript NM_017429.3 (MANE Select); coding-DNA position 1415, G replaced by C.
Protein change: p.Gly472Ala; replaces glycine 472 with alanine.
Molecular consequence: missense variant.
Genome position (GRCh38, 1-based): chr16:81,290,348, G>C. VCF-style: chr16-81290348-G-C. GRCh37 (hg19) VCF-style: chr16-81323953-G-C.
Other names: NC_000016.9:g.81323953G>C; short protein forms G472A.
Identifiers: ClinVar variation 774341 (VCV000774341.15), dbSNP rs143238312, ClinGen allele CA8191163.

ClinVar aggregate classification (germline): Benign. Review status: criteria provided, multiple submitters, no conflicts (2 of 4 stars). 4 submissions from 4 submitters: Benign (3). 1 of the submissions does not count toward it. Last evaluated 2025-08-01.

Conditions:
BCO1-related disorder. Also called: BCO1-related condition.

Allele frequency attached by ClinVar (database versions not stated): 1000 Genomes Project 30x 0.00156; 1000 Genomes Project 0.00180; gnomAD 0.00562 and 0.00588; TOPMed 0.00565; gnomAD exomes 0.00597 and 0.00954; ExAC 0.00686; ESP Exome Variant Server 0.00777.
gnomAD v4.1: 14,591 of 1,612,230 alleles (0.91%); highest among the groups gnomAD compares: Non-Finnish European, 1.1%; 80 homozygotes.

Submissions (20):

CeGaT Center for Human Genetics Tuebingen
Classification: Benign. Last evaluated: 2025-08-01. Review status: criteria provided, single submitter. Criteria: CeGaT Center For Human Genetics Tuebingen Variant Classification Criteria Version 2. Collection method: clinical testing. Allele origin: germline. Affected: yes. Observed: 1 variant allele.
Comment: BCO1: BS1, BS2

Labcorp Genetics (formerly Invitae), Labcorp
Classification: Benign. Last evaluated: 2018-02-14. Review status: criteria provided, single submitter. Criteria: Invitae Variant Classification Sherloc (09022015). Collection method: clinical testing. Allele origin: germline.

Breakthrough Genomics
Classification: Benign. Review status: criteria provided, single submitter. Criteria: ACMG Guidelines, 2015. Collection method: not provided. Allele origin: germline. Inheritance: Autosomal dominant inheritance. Affected: yes.

PreventionGenetics, part of Exact Sciences
Classification: Likely benign for BCO1-related condition. Last evaluated: 2019-05-02. Review status: no assertion criteria provided. Collection method: clinical testing. Allele origin: germline. Not counted in ClinVar's aggregate classification.
Comment: This variant is classified as likely benign based on ACMG/AMP sequence variant interpretation guidelines (Richards et al. 2015 PMID: 25741868, with internal and published modifications).

Dr. Peter K. Rogan Lab, Western University
No classification provided (evidence only). Condition: Clear cell carcinoma of kidney. Review status: no classification provided. Collection method: in vitro. Allele origin: not applicable. Functional consequence: cryptic splice site, retained intron. Not counted in ClinVar's aggregate classification.

Dr. Peter K. Rogan Lab, Western University
No classification provided (evidence only). Condition: Clear cell carcinoma of kidney. Review status: no classification provided. Collection method: in vitro. Allele origin: not applicable. Functional consequence: cryptic splice site, retained intron. Not counted in ClinVar's aggregate classification.

Dr. Peter K. Rogan Lab, Western University
No classification provided (evidence only). Condition: Clear cell carcinoma of kidney. Review status: no classification provided. Collection method: in vitro. Allele origin: not applicable. Functional consequence: retained intron. Not counted in ClinVar's aggregate classification.

Dr. Peter K. Rogan Lab, Western University
No classification provided (evidence only). Condition: Clear cell carcinoma of kidney. Review status: no classification provided. Collection method: in vitro. Allele origin: not applicable. Functional consequence: retained intron. Not counted in ClinVar's aggregate classification.

Dr. Peter K. Rogan Lab, Western University
No classification provided (evidence only). Condition: Clear cell carcinoma of kidney. Review status: no classification provided. Collection method: in vitro. Allele origin: not applicable. Functional consequence: cryptic splice site. Not counted in ClinVar's aggregate classification.

Dr. Peter K. Rogan Lab, Western University
No classification provided (evidence only). Condition: Clear cell carcinoma of kidney. Review status: no classification provided. Collection method: in vitro. Allele origin: not applicable. Functional consequence: retained intron. Not counted in ClinVar's aggregate classification.

Dr. Peter K. Rogan Lab, Western University
No classification provided (evidence only). Condition: Clear cell carcinoma of kidney. Review status: no classification provided. Collection method: in vitro. Allele origin: not applicable. Functional consequence: retained intron. Not counted in ClinVar's aggregate classification.

Dr. Peter K. Rogan Lab, Western University
No classification provided (evidence only). Condition: Lung cancer. Review status: no classification provided. Collection method: in vitro. Allele origin: not applicable. Functional consequence: retained intron. Not counted in ClinVar's aggregate classification.

Dr. Peter K. Rogan Lab, Western University
No classification provided (evidence only). Condition: Acute myeloid leukemia. Review status: no classification provided. Collection method: in vitro. Allele origin: not applicable. Functional consequence: retained intron. Not counted in ClinVar's aggregate classification.

Dr. Peter K. Rogan Lab, Western University
No classification provided (evidence only). Condition: Uterine corpus endometrial carcinoma. Review status: no classification provided. Collection method: in vitro. Allele origin: not applicable. Functional consequence: retained intron. Not counted in ClinVar's aggregate classification.

Dr. Peter K. Rogan Lab, Western University
No classification provided (evidence only). Condition: Nonpapillary renal cell carcinoma. Review status: no classification provided. Collection method: in vitro. Allele origin: not applicable. Functional consequence: retained intron. Not counted in ClinVar's aggregate classification.

Dr. Peter K. Rogan Lab, Western University
No classification provided (evidence only). Condition: Ovarian serous cystadenocarcinoma. Review status: no classification provided. Collection method: in vitro. Allele origin: not applicable. Functional consequence: retained intron. Not counted in ClinVar's aggregate classification.

Dr. Peter K. Rogan Lab, Western University
No classification provided (evidence only). Condition: Gastric cancer. Review status: no classification provided. Collection method: in vitro. Allele origin: not applicable. Functional consequence: cryptic splice site, retained intron. Not counted in ClinVar's aggregate classification.

Dr. Peter K. Rogan Lab, Western University
No classification provided (evidence only). Condition: Gastric cancer. Review status: no classification provided. Collection method: in vitro. Allele origin: not applicable. Functional consequence: cryptic splice site. Not counted in ClinVar's aggregate classification.

Dr. Peter K. Rogan Lab, Western University
No classification provided (evidence only). Condition: Gastric cancer. Review status: no classification provided. Collection method: in vitro. Allele origin: not applicable. Functional consequence: cryptic splice site, retained intron. Not counted in ClinVar's aggregate classification.

Dr. Peter K. Rogan Lab, Western University
No classification provided (evidence only). Condition: Malignant tumor of esophagus. Review status: no classification provided. Collection method: in vitro. Allele origin: not applicable. Functional consequence: cryptic splice site, retained intron. Not counted in ClinVar's aggregate classification.